The following is an entry in ClinVar:

ClinVar aggregate classification (germline): Uncertain significance (1 of 4 stars; one submission).

gnomAD v4.1: 3 of 1,565,988 alleles (0.00019%); highest among the groups gnomAD compares: Non-Finnish European, 0.00026%; no homozygotes.

Submission:

CeGaT Center for Human Genetics Tuebingen
Classification: Uncertain significance. Last evaluated: 2025-08-01. Review status: criteria provided, single submitter. Criteria: CeGaT Center For Human Genetics Tuebingen Variant Classification Criteria Version 2. Collection method: clinical testing. Allele origin: germline. Affected: yes. Observed: 1 variant allele.
Comment: COMP: PP2

NM_000095.3(COMP):c.151C>A (p.Leu51Met)

Gene: COMP (cartilage oligomeric matrix protein; minus strand). Cytogenetic location: 19p13.11.
Variant type: single nucleotide variant.
Coding change: c.151C>A on transcript NM_000095.3 (MANE Select); coding-DNA position 151, C replaced by A.
Protein change: p.Leu51Met; replaces leucine 51 with methionine.
Molecular consequence: missense variant.
Genome position (GRCh38, 1-based): chr19:18,790,864, G>T on the plus strand (C>A on the coding strand, the complement: COMP is on the minus strand). VCF-style: chr19-18790864-G-T. GRCh37 (hg19) VCF-style: chr19-18901673-G-T.
Other names: short protein forms L51M.
Identifiers: ClinVar variation 4085072 (VCV004085072.8).